The following is an entry in ClinVar:

ClinVar aggregate classification (germline): Uncertain significance (1 of 4 stars; one submission).

Conditions:
Dyskeratosis congenita, autosomal dominant 2. Identifiers: MedGen C3151443, MONDO:0013521, OMIM 613989.
Idiopathic Pulmonary Fibrosis. Also called: Idiopathic fibrosing alveolitis, chronic form; idiopathic fibrosing alveolitis. Identifiers: Orphanet 2032, MedGen C1800706, MeSH D054990, MONDO:0800504.

Submission:

Labcorp Genetics (formerly Invitae), Labcorp
Classification: Uncertain significance for Dyskeratosis congenita, autosomal dominant 2; Idiopathic Pulmonary Fibrosis. Last evaluated: 2023-12-04. Review status: criteria provided, single submitter. Criteria: Invitae Variant Classification Sherloc (09022015). Collection method: clinical testing. Allele origin: germline.
Comment: This sequence change replaces histidine, which is basic and polar, with tyrosine, which is neutral and polar, at codon 687 of the TERT protein (p.His687Tyr). This variant is not present in population databases (gnomAD no frequency). This variant has not been reported in the literature in individuals affected with TERT-related conditions. Advanced modeling of protein sequence and biophysical properties (such as structural, functional, and spatial information, amino acid conservation, physicochemical variation, residue mobility, and thermodynamic stability) performed at Invitae indicates that this missense variant is not expected to disrupt TERT protein function with a negative predictive value of 95%. In summary, the available evidence is currently insufficient to determine the role of this variant in disease. Therefore, it has been classified as a Variant of Uncertain Significance.

NM_198253.3(TERT):c.2059C>T (p.His687Tyr)

Gene: TERT (telomerase reverse transcriptase; minus strand). Cytogenetic location: 5p15.33.
Variant type: single nucleotide variant.
Coding change: c.2059C>T on transcript NM_198253.3 (MANE Select); coding-DNA position 2059, C replaced by T.
Protein change: p.His687Tyr; replaces histidine 687 with tyrosine.
Molecular consequence: missense variant. On other transcripts: non-coding transcript variant (2).
Genome position (GRCh38, 1-based): chr5:1,279,362, G>A on the plus strand (C>T on the coding strand, the complement: TERT is on the minus strand). VCF-style: chr5-1279362-G-A. GRCh37 (hg19) VCF-style: chr5-1279477-G-A.
Other names: c.2059C>T, p.His687Tyr (NM_001193376.3, NM_003219.1); short protein forms H687Y.
Identifiers: ClinVar variation 2954412 (VCV002954412.3), dbSNP rs2478275543, ClinGen allele CA359080296.